The following is an entry in ClinVar:

ClinVar aggregate classification (germline): Uncertain significance (1 of 4 stars; one submission).

Conditions:
Hereditary cancer-predisposing syndrome. Also called: Neoplastic Syndromes, Hereditary; Tumor predisposition; Hereditary Cancer Syndrome; Hereditary neoplastic syndrome. Identifiers: Orphanet 140162, MedGen C0027672, MeSH D009386, MONDO:0015356.

Submission:

Ambry Genetics
Classification: Uncertain significance for Hereditary cancer-predisposing syndrome. Last evaluated: 2024-10-24. Review status: criteria provided, single submitter. Criteria: Ambry Variant Classification Scheme 2023. Collection method: clinical testing. Allele origin: germline.
Comment: The p.N65K variant (also known as c.195C>G), located in coding exon 2 of the POLE gene, results from a C to G substitution at nucleotide position 195. The asparagine at codon 65 is replaced by lysine, an amino acid with similar properties. This amino acid position is conserved. In addition, this alteration is predicted to be tolerated by in silico analysis. Based on the available evidence, the clinical significance of this variant remains unclear.

NM_006231.4(POLE):c.195C>G (p.Asn65Lys)

Gene: POLE (DNA polymerase epsilon, catalytic subunit; minus strand). Cytogenetic location: 12q24.33.
Variant type: single nucleotide variant.
Coding change: c.195C>G on transcript NM_006231.4 (MANE Select); coding-DNA position 195, C replaced by G.
Protein change: p.Asn65Lys; replaces asparagine 65 with lysine.
Molecular consequence: missense variant.
Genome position (GRCh38, 1-based): chr12:132,681,147, G>C on the plus strand (C>G on the coding strand, the complement: POLE is on the minus strand). VCF-style: chr12-132681147-G-C. GRCh37 (hg19) VCF-style: chr12-133257733-G-C.
Other names: short protein forms N65K.
Identifiers: ClinVar variation 3422207 (VCV003422207.1).
Genomic context (GRCh38, chr12:132,681,147, plus strand): 5'-CCAGAAGGGTTGCAGCCATATTCCTGGGTGGGAGAAGGACCTAGTGCTTACAGGATGCAT[G>C]TTAATGAGCCAGCCTGTCTTCTCACCAGGCTCCTTCAGCCGCTCAAAACCAAACCGCAAA-3'
Protein context (NP_006222.2, residues 55-75): EPGEKTGWLI[Asn65Lys]MHPTEILDED